The following is an entry in ClinVar:

ClinVar aggregate classification (germline): Pathogenic (1 of 4 stars; one submission).

Conditions:
Combined oxidative phosphorylation defect type 14. Also called: Combined oxidative phosphorylation deficiency 14. Identifiers: Orphanet 319519, MedGen C4755312, MONDO:0013986, OMIM 614946.

Submission:

Labcorp Genetics (formerly Invitae), Labcorp
Classification: Pathogenic for Combined oxidative phosphorylation defect type 14. Last evaluated: 2022-10-20. Review status: criteria provided, single submitter. Criteria: Invitae Variant Classification Sherloc (09022015). Collection method: clinical testing. Allele origin: germline.
Comment: This variant is a gross deletion of the genomic region encompassing exon(s) 1-4 of the FARS2 gene, which includes the initiator codon. This deletion extends beyond the assayed region for this gene and therefore may encompass additional genes. It is expected to result in an absent or disrupted protein product. Loss-of-function variants in FARS2 are known to be pathogenic (PMID: 22833457). This variant has not been reported in the literature in individuals affected with FARS2-related conditions. For these reasons, this variant has been classified as Pathogenic.

Literature cited by the submitters: PubMed 22833457.

NC_000006.11:g.(?_5216831)_(5431425_?)del

Genes: FARS2 (phenylalanyl-tRNA synthetase 2, mitochondrial; plus strand), LYRM4 (LYR motif containing 4; minus strand). Cytogenetic location: 6p25.1.
Variant type: Deletion.
Identifiers: ClinVar variation 2425614 (VCV002425614.3).